The following is an entry in ClinVar:

ClinVar aggregate classification (germline): Uncertain significance (1 of 4 stars; one submission).

Conditions:
Primary ciliary dyskinesia 33. Also called: CILIARY DYSKINESIA, PRIMARY, 33, WITHOUT SITUS INVERSUS. Identifiers: Orphanet 244, MedGen C4225230, MONDO:0014750, OMIM 616726.

Allele frequency attached by ClinVar (database versions not stated): ExAC 0.00002; gnomAD exomes 0.00002; gnomAD 0.00006; TOPMed 0.00008.
gnomAD v4.1: 64 of 1,611,202 alleles (0.004%); highest among the groups gnomAD compares: African/African-American, 0.0093%; no homozygotes.

Submission:

Labcorp Genetics (formerly Invitae), Labcorp
Classification: Uncertain significance for Primary ciliary dyskinesia 33. Last evaluated: 2021-10-15. Review status: criteria provided, single submitter. Criteria: Invitae Variant Classification Sherloc (09022015). Collection method: clinical testing. Allele origin: germline.
Comment: This sequence change replaces aspartic acid with asparagine at codon 232 of the GAS8 protein (p.Asp232Asn). The aspartic acid residue is highly conserved and there is a small physicochemical difference between aspartic acid and asparagine. This variant is present in population databases (rs754194491, ExAC 0.004%). This variant has not been reported in the literature in individuals affected with GAS8-related conditions. Algorithms developed to predict the effect of missense changes on protein structure and function are either unavailable or do not agree on the potential impact of this missense change (SIFT: "Deleterious"; PolyPhen-2: "Benign"; Align-GVGD: "Class C0"). In summary, the available evidence is currently insufficient to determine the role of this variant in disease. Therefore, it has been classified as a Variant of Uncertain Significance.

NM_001481.3(GAS8):c.694G>A (p.Asp232Asn)

Gene: GAS8 (growth arrest specific 8; plus strand). Cytogenetic location: 16q24.3.
Variant type: single nucleotide variant.
Coding change: c.694G>A on transcript NM_001481.3 (MANE Select); coding-DNA position 694, G replaced by A.
Protein change: p.Asp232Asn; replaces aspartic acid 232 with asparagine.
Molecular consequence: missense variant.
Genome position (GRCh38, 1-based): chr16:90,036,524, G>A. VCF-style: chr16-90036524-G-A. GRCh37 (hg19) VCF-style: chr16-90102932-G-A.
Other names: c.445G>A, p.Asp149Asn (NM_001286205.2); c.118G>A, p.Asp40Asn (NM_001286208.2); c.619G>A, p.Asp207Asn (NM_001286209.2); short protein forms D149N, D207N, D40N, D232N.
Identifiers: ClinVar variation 1484637 (VCV001484637.3), dbSNP rs754194491, ClinGen allele CA8257921.